The following is an entry in ClinVar:

NM_001999.4(FBN2):c.4306T>C (p.Cys1436Arg)

Gene: FBN2 (fibrillin 2; minus strand). Cytogenetic location: 5q23.3.
Variant type: single nucleotide variant.
Coding change: c.4306T>C on transcript NM_001999.4 (MANE Select); coding-DNA position 4306, T replaced by C.
Protein change: p.Cys1436Arg; replaces cysteine 1436 with arginine.
Molecular consequence: missense variant.
Genome position (GRCh38, 1-based): chr5:128,330,612, A>G on the plus strand (T>C on the coding strand, the complement: FBN2 is on the minus strand). VCF-style: chr5-128330612-A-G. GRCh37 (hg19) VCF-style: chr5-127666304-A-G.
Other names: short protein forms C1436R.
Identifiers: ClinVar variation 411834 (VCV000411834.11), dbSNP rs1060503510, ClinGen allele CA16611713.

ClinVar aggregate classification (germline): Pathogenic (1 of 4 stars; one submission).

Conditions:
Congenital contractural arachnodactyly (CCA). Also called: BEALS SYNDROME; Arthrogryposis, distal, type 9; Beals-Hecht syndrome. Identifiers: Orphanet 115, MedGen C0220668, MONDO:0007363, OMIM 121050.

Submission:

Labcorp Genetics (formerly Invitae), Labcorp
Classification: Pathogenic for Congenital contractural arachnodactyly. Last evaluated: 2017-04-19. Review status: criteria provided, single submitter. Criteria: Invitae Variant Classification Sherloc (09022015). Collection method: clinical testing. Allele origin: germline.
Comment: This variant affects a cysteine residue located within an epidermal growth factor (EGF)–like domain of the FBN2 protein. Cysteine residues in these domains are involved in the formation of disulfide bridges critical for protein structure and stability (PMID: 3495735, 4750422, 16677079). In addition, missense substitutions within the FBN2 EGF-like domains affecting cysteine residues are overrepresented in patients with congenital contractural arachnodactyly (PMID: 18767143). In summary this variant is a novel missense change that affects a residue important for FBN2 protein function and it has been observed de novo in an affected individual. For these reasons, this variant has been classified as Pathogenic. This variant is not present in population databases (ExAC no frequency) and has not been reported in the literature in individuals with a FBN2-related disease. This sequence change replaces cysteine with arginine at codon 1436 of the FBN2 protein (p.Cys1436Arg). The cysteine residue is highly conserved and there is a large physicochemical difference between cysteine and arginine.

Literature cited by the submitters: PubMed 3495735; PubMed 4750422; PubMed 16677079; PubMed 18767143.